The following is an entry in ClinVar:

NM_018979.4(WNK1):c.595C>G (p.Gln199Glu)

Gene: WNK1 (WNK lysine deficient protein kinase 1; plus strand). Cytogenetic location: 12p13.33.
Variant type: single nucleotide variant.
Coding change: c.595C>G on transcript NM_018979.4 (MANE Select); coding-DNA position 595, C replaced by G.
Protein change: p.Gln199Glu; replaces glutamine 199 with glutamic acid.
Molecular consequence: missense variant.
Genome position (GRCh38, 1-based): chr12:754,160, C>G. VCF-style: chr12-754160-C-G. GRCh37 (hg19) VCF-style: chr12-863326-C-G.
Other names: c.595C>G, p.Gln199Glu (NM_001184985.2, NM_014823.3, NM_213655.5); short protein forms Q199E.
Identifiers: ClinVar variation 471202 (VCV000471202.9), dbSNP rs1404174344, ClinGen allele CA383307605.

ClinVar aggregate classification (germline): Uncertain significance. Review status: criteria provided, multiple submitters, no conflicts (2 of 4 stars). 2 submissions from 2 submitters: Uncertain significance (2). Last evaluated 2021-12-06.

Conditions:
Neuropathy, hereditary sensory and autonomic, type 2A (HSAN2A). Also called: HSAN IIA; WNK1-Related HSAN2 (HSAN2A); ACROOSTEOLYSIS, GIACCAI TYPE; ACROOSTEOLYSIS, NEUROGENIC; MORVAN DISEASE; NEUROPATHY, CONGENITAL SENSORY. Identifiers: Orphanet 970, MedGen C2752089, MONDO:0024309, OMIM 201300.
Pseudohypoaldosteronism type 2C (PHA2C). Also called: Pseudohypoaldosteronism Type IIC. Identifiers: Orphanet 757, Orphanet 88940, MedGen C1840391, MONDO:0013778, OMIM 614492.

Allele frequency attached by ClinVar (database versions not stated): gnomAD exomes below 0.00001; gnomAD 0.00001; TOPMed 0.00002.
gnomAD v4.1: 7 of 1,613,066 alleles (0.00043%); highest among the groups gnomAD compares: Non-Finnish European, 0.00059%; no homozygotes.

Submissions (2):

Fulgent Genetics
Classification: Uncertain significance for Neuropathy, hereditary sensory and autonomic, type 2A; Pseudohypoaldosteronism type 2C. Last evaluated: 2021-12-06. Review status: criteria provided, single submitter. Criteria: ACMG Guidelines, 2015. Collection method: clinical testing. Allele origin: unknown.

Labcorp Genetics (formerly Invitae), Labcorp
Classification: Uncertain significance for Neuropathy, hereditary sensory and autonomic, type 2A; Pseudohypoaldosteronism type 2C. Last evaluated: 2017-04-21. Review status: criteria provided, single submitter. Criteria: Invitae Variant Classification Sherloc (09022015). Collection method: clinical testing. Allele origin: germline.
Comment: Algorithms developed to predict the effect of missense changes on protein structure and function do not agree on the potential impact of this missense change (SIFT: "Deleterious"; PolyPhen-2: "Unknown"; Align-GVGD: "Class C0"). This variant is not present in population databases (ExAC no frequency) and has not been reported in the literature in individuals with a WNK1-related disease. This sequence change replaces glutamine with glutamic acid at codon 199 of the WNK1 protein (p.Gln199Glu). The glutamine residue is highly conserved and there is a small physicochemical difference between glutamine and glutamic acid. In summary, this variant is a novel missense change with uncertain impact on protein function. It has been classified as a Variant of Uncertain Significance.